The following is an entry in ClinVar:

ClinVar aggregate classification (germline): Uncertain significance. Review status: criteria provided, multiple submitters, no conflicts (2 of 4 stars). 2 submissions from 2 submitters: Uncertain significance (2). Last evaluated 2025-08-31.

Conditions:
Inborn genetic diseases. Identifiers: MedGen C0950123, MeSH D030342.
LAMA2-related muscular dystrophy (LAMA2-RD). Also called: Laminin alpha 2-related dystrophy. Identifiers: MedGen C5679788, MONDO:0100228.

Allele frequency attached by ClinVar (database versions not stated): TOPMed 0.00002; gnomAD exomes below 0.00001 and 0.00001.
gnomAD v4.1: 8 of 1,613,788 alleles (0.0005%); highest among the groups gnomAD compares: Admixed American, 0.005%; no homozygotes.

Submissions (2):

Ambry Genetics
Classification: Uncertain significance for Inborn genetic diseases. Last evaluated: 2025-08-31. Review status: criteria provided, single submitter. Criteria: Ambry Variant Classification Scheme 2023. Collection method: clinical testing. Allele origin: germline.

Labcorp Genetics (formerly Invitae), Labcorp
Classification: Uncertain significance for LAMA2-related muscular dystrophy. Last evaluated: 2021-09-01. Review status: criteria provided, single submitter. Criteria: Invitae Variant Classification Sherloc (09022015). Collection method: clinical testing. Allele origin: germline.
Comment: This sequence change replaces glycine with serine at codon 3006 of the LAMA2 protein (p.Gly3006Ser). The glycine residue is highly conserved and there is a small physicochemical difference between glycine and serine. This variant is not present in population databases (ExAC no frequency). This variant has not been reported in the literature in individuals affected with LAMA2-related conditions. Algorithms developed to predict the effect of missense changes on protein structure and function are either unavailable or do not agree on the potential impact of this missense change (SIFT: "Deleterious"; PolyPhen-2: "Probably Damaging"; Align-GVGD: "Class C0"). In summary, the available evidence is currently insufficient to determine the role of this variant in disease. Therefore, it has been classified as a Variant of Uncertain Significance.

NM_000426.4(LAMA2):c.9016G>A (p.Gly3006Ser)

Gene: LAMA2 (laminin subunit alpha 2; plus strand). Cytogenetic location: 6q22.33.
Variant type: single nucleotide variant.
Coding change: c.9016G>A on transcript NM_000426.4 (MANE Select); coding-DNA position 9016, G replaced by A.
Protein change: p.Gly3006Ser; replaces glycine 3006 with serine.
Molecular consequence: missense variant.
Genome position (GRCh38, 1-based): chr6:129,514,400, G>A. VCF-style: chr6-129514400-G-A. GRCh37 (hg19) VCF-style: chr6-129835545-G-A.
Other names: c.9004G>A, p.Gly3002Ser (NM_001079823.2); short protein forms G3006S, G3002S.
Identifiers: ClinVar variation 578967 (VCV000578967.6), dbSNP rs1239495779, ClinGen allele CA365636746.